The following is an entry in ClinVar:

ClinVar aggregate classification (germline): Uncertain significance (1 of 4 stars; one submission).

Conditions:
Cardiovascular phenotype. Identifiers: MedGen CN230736.

gnomAD v4.1: 14 of 1,613,046 alleles (0.00087%); highest among the groups gnomAD compares: East Asian, 0.0022%; no homozygotes.

Submission:

Ambry Genetics
Classification: Uncertain significance for Cardiovascular phenotype. Last evaluated: 2025-06-23. Review status: criteria provided, single submitter. Criteria: Ambry Variant Classification Scheme 2023. Collection method: clinical testing. Allele origin: germline.
Comment: The p.E2484K variant (also known as c.7450G>A), located in coding exon 20 of the TNXB gene, results from a G to A substitution at nucleotide position 7450. The glutamic acid at codon 2484 is replaced by lysine, an amino acid with similar properties. This amino acid position is conserved. In addition, this alteration is predicted to be tolerated by in silico analysis. Based on the available evidence, the clinical significance of this variant remains unclear.

NM_001365276.2(TNXB):c.7450G>A (p.Glu2484Lys)

Gene: TNXB (tenascin XB; minus strand). Cytogenetic location: 6p21.33.
Variant type: single nucleotide variant.
Coding change: c.7450G>A on transcript NM_001365276.2 (MANE Select); coding-DNA position 7450, G replaced by A.
Protein change: p.Glu2484Lys; replaces glutamic acid 2484 with lysine.
Molecular consequence: missense variant.
Genome position (GRCh38, 1-based): chr6:32,061,439, C>T on the plus strand (G>A on the coding strand, the complement: TNXB is on the minus strand). VCF-style: chr6-32061439-C-T. GRCh37 (hg19) VCF-style: chr6-32029216-C-T.
Other names: c.8191G>A, p.Glu2731Lys (NM_001428335.1); c.7450G>A, p.Glu2484Lys (NM_019105.8); short protein forms E2484K, E2731K.
Identifiers: ClinVar variation 4188677 (VCV004188677.1).